The following is an entry in ClinVar:

ClinVar aggregate classification (germline): Benign (1 of 4 stars; one submission).

Allele frequency attached by ClinVar (database versions not stated): 1000 Genomes Project 0.31869; 1000 Genomes Project 30x 0.32152; TOPMed 0.36848; gnomAD 0.37253 and 0.37446.

Submission:

GeneDx
Classification: Benign. Last evaluated: 2018-06-14. Review status: criteria provided, single submitter. Criteria: GeneDx Variant Classification (06012015). Collection method: clinical testing. Allele origin: germline. Affected: yes.
Comment: This variant is considered likely benign or benign based on one or more of the following criteria: it is a conservative change, it occurs at a poorly conserved position in the protein, it is predicted to be benign by multiple in silico algorithms, and/or has population frequency not consistent with disease.

NM_001002755.4(NFU1):c.303-214G>A

Gene: NFU1 (NFU1 iron-sulfur cluster scaffold; minus strand). Cytogenetic location: 2p13.3.
Variant type: single nucleotide variant.
Coding change: c.303-214G>A on transcript NM_001002755.4 (MANE Select); 214 bases into the intron before coding-DNA position 303, G replaced by A.
Molecular consequence: intron variant.
Genome position (GRCh38, 1-based): chr2:69,419,818, C>T on the plus strand (G>A on the coding strand, the complement: NFU1 is on the minus strand). VCF-style: chr2-69419818-C-T. GRCh37 (hg19) VCF-style: chr2-69646950-C-T.
Other names: c.231-214G>A (NM_015700.4, NM_001374284.1); c.-121-214G>A (NM_001002756.2).
Identifiers: ClinVar variation 669524 (VCV000669524.1), dbSNP rs4404323, ClinGen allele CA11117596.